The following is an entry in ClinVar:

ClinVar aggregate classification (germline): Pathogenic. Review status: criteria provided, multiple submitters, no conflicts (2 of 4 stars). 2 submissions from 2 submitters: Pathogenic (2). Last evaluated 2025-07-14.

Conditions:
Metachromatic leukodystrophy (MLD). Also called: Cerebral sclerosis diffuse metachromatic form; Arylsulfatase A Deficiency; ARSA DEFICIENCY; CEREBROSIDE SULFATASE DEFICIENCY; METACHROMATIC LEUKOENCEPHALOPATHY; SULFATIDE LIPIDOSIS. Identifiers: Orphanet 512, MedGen C0023522, MONDO:0018868, OMIM 250100.

Allele frequency attached by ClinVar (database versions not stated): gnomAD exomes below 0.00001; ExAC 0.00001.

Submissions (2):

3billion
Classification: Pathogenic for Metachromatic leukodystrophy. Last evaluated: 2025-07-14. Review status: criteria provided, single submitter. Criteria: ACMG Guidelines, 2015. Collection method: clinical testing. Allele origin: germline. Affected: yes.
Comment: The variant is observed at an extremely low frequency in the gnomAD v4.1.0 dataset (total allele frequency: <0.001%). Predicted Consequence/Location: Stop-gained (nonsense): predicted to result in a loss or disruption of normal protein function through nonsense-mediated decay (NMD) or protein truncation. Multiple pathogenic variants are reported downstream of the variant. The variant has been reported to be associated with ARSA-related disorder (ClinVar ID: VCV002794090). Therefore, this variant is classified as Pathogenic according to the recommendation of ACMG/AMP guideline.

Labcorp Genetics (formerly Invitae), Labcorp
Classification: Pathogenic for Metachromatic leukodystrophy. Last evaluated: 2024-02-13. Review status: criteria provided, single submitter. Criteria: Invitae Variant Classification Sherloc (09022015). Collection method: clinical testing. Allele origin: germline.
Comment: This sequence change creates a premature translational stop signal (p.Gln159*) in the ARSA gene. It is expected to result in an absent or disrupted protein product. Loss-of-function variants in ARSA are known to be pathogenic (PMID: 8962139, 10477432). This variant is present in population databases (rs760271887, gnomAD 0.003%). This variant has not been reported in the literature in individuals affected with ARSA-related conditions. For these reasons, this variant has been classified as Pathogenic.

Literature cited by the submitters: PubMed 8962139 (cited by Labcorp Genetics (formerly Invitae), Labcorp); PubMed 10477432 (cited by Labcorp Genetics (formerly Invitae), Labcorp).

NM_000487.6(ARSA):c.475C>T (p.Gln159Ter)

Gene: ARSA (arylsulfatase A; minus strand). Cytogenetic location: 22q13.33.
Variant type: single nucleotide variant.
Coding change: c.475C>T on transcript NM_000487.6 (MANE Select); coding-DNA position 475, C replaced by T.
Protein change: p.Gln159Ter; replaces glutamine 159 with a stop codon.
Molecular consequence: nonsense.
Genome position (GRCh38, 1-based): chr22:50,627,043, G>A on the plus strand (C>T on the coding strand, the complement: ARSA is on the minus strand). VCF-style: chr22-50627043-G-A. GRCh37 (hg19) VCF-style: chr22-51065471-G-A.
Other names: c.475C>T, p.Gln159Ter (NM_001085425.3, NM_001085426.3, NM_001085427.3); c.217C>T, p.Gln73Ter (NM_001085428.3, NM_001362782.2); short protein forms Q159*, Q73*.
Identifiers: ClinVar variation 2794090 (VCV002794090.4), dbSNP rs760271887, ClinGen allele CA10324999.